The following is an entry in ClinVar:

ClinVar aggregate classification (germline): Uncertain significance (1 of 4 stars; one submission).

Conditions:
Inborn genetic diseases. Identifiers: MedGen C0950123, MeSH D030342.

Allele frequency attached by ClinVar (database versions not stated): gnomAD exomes below 0.00001.
gnomAD v4.1: 1 of 1,611,492 alleles (0.000062%); highest among the groups gnomAD compares: Non-Finnish European, 0.000085%; no homozygotes.

Submission:

Ambry Genetics
Classification: Uncertain significance for Inborn genetic diseases. Last evaluated: 2022-05-16. Review status: criteria provided, single submitter. Criteria: Ambry Variant Classification Scheme 2023. Collection method: clinical testing. Allele origin: germline.
Comment: The p.K2308N variant (also known as c.6924A>T), located in coding exon 41 of the ATR gene, results from an A to T substitution at nucleotide position 6924. The lysine at codon 2308 is replaced by asparagine, an amino acid with similar properties. This amino acid position is conserved. In addition, the in silico prediction for this alteration is inconclusive. Since supporting evidence is limited at this time, the clinical significance of this alteration remains unclear.

NM_001184.4(ATR):c.6924A>T (p.Lys2308Asn)

Gene: ATR (ATR checkpoint kinase; minus strand). Cytogenetic location: 3q23.
Variant type: single nucleotide variant.
Coding change: c.6924A>T on transcript NM_001184.4 (MANE Select); coding-DNA position 6924, A replaced by T.
Protein change: p.Lys2308Asn; replaces lysine 2308 with asparagine.
Molecular consequence: missense variant.
Genome position (GRCh38, 1-based): chr3:142,465,214, T>A on the plus strand (A>T on the coding strand, the complement: ATR is on the minus strand). VCF-style: chr3-142465214-T-A. GRCh37 (hg19) VCF-style: chr3-142184056-T-A.
Other names: c.6732A>T, p.Lys2244Asn (NM_001354579.2); short protein forms K2244N, K2308N.
Identifiers: ClinVar variation 1756182 (VCV001756182.2), dbSNP rs1399530759, ClinGen allele CA354800783.